The following is an entry in ClinVar:

NM_003072.5(SMARCA4):c.4389G>T (p.Lys1463Asn)

Gene: SMARCA4 (SWI/SNF related BAF chromatin remodeling complex subunit ATPase 4; plus strand). Cytogenetic location: 19p13.2.
Variant type: single nucleotide variant.
Coding change: c.4389G>T on transcript NM_003072.5 (MANE Select); coding-DNA position 4389, G replaced by T.
Protein change: p.Lys1463Asn; replaces lysine 1463 with asparagine.
Molecular consequence: missense variant. On other transcripts: non-coding transcript variant (1).
Genome position (GRCh38, 1-based): chr19:11,041,525, G>T. VCF-style: chr19-11041525-G-T. GRCh37 (hg19) VCF-style: chr19-11152201-G-T.
Other names: c.4389G>T, p.Lys1463Asn (NM_001128844.3); c.4299G>T, p.Lys1433Asn (NM_001128845.2, NM_001128846.2); c.4290G>T, p.Lys1430Asn (NM_001128847.4, NM_001128848.2, NM_001374457.1); c.4485G>T, p.Lys1495Asn (NM_001128849.3, NM_001387283.1); c.4386G>T, p.Lys1462Asn (NM_001411150.1); short protein forms K1430N, K1433N, K1462N, K1463N, K1495N.
Identifiers: ClinVar variation 1720261 (VCV001720261.5), dbSNP rs141891784, ClinGen allele CA9204710.

ClinVar aggregate classification (germline): Uncertain significance (1 of 4 stars; one submission).

Conditions:
Rhabdoid tumor predisposition syndrome 2 (RTPS2). Identifiers: Orphanet 231108, Orphanet 69077, MedGen C2750074, MONDO:0013224, OMIM 613325.

Allele frequency attached by ClinVar (database versions not stated): ExAC 0.00001; gnomAD 0.00001; 1000 Genomes Project 30x 0.00016.
gnomAD v4.1: 1 of 1,613,834 alleles (0.000062%); highest among the groups gnomAD compares: African/African-American, 0.0013%; no homozygotes.

Submission:

Labcorp Genetics (formerly Invitae), Labcorp
Classification: Uncertain significance for Rhabdoid tumor predisposition syndrome 2. Last evaluated: 2022-09-24. Review status: criteria provided, single submitter. Criteria: Invitae Variant Classification Sherloc (09022015). Collection method: clinical testing. Allele origin: germline.
Comment: In summary, the available evidence is currently insufficient to determine the role of this variant in disease. Therefore, it has been classified as a Variant of Uncertain Significance. Advanced modeling of protein sequence and biophysical properties (such as structural, functional, and spatial information, amino acid conservation, physicochemical variation, residue mobility, and thermodynamic stability) performed at Invitae indicates that this missense variant is not expected to disrupt SMARCA4 protein function. This variant has not been reported in the literature in individuals affected with SMARCA4-related conditions. This variant is present in population databases (rs141891784, gnomAD 0.007%). This sequence change replaces lysine, which is basic and polar, with asparagine, which is neutral and polar, at codon 1495 of the SMARCA4 protein (p.Lys1495Asn).